The following is an entry in ClinVar:

ClinVar aggregate classification (germline): Likely benign. Review status: criteria provided, multiple submitters, no conflicts (2 of 4 stars). 2 submissions from 2 submitters: Likely benign (2). Last evaluated 2024-01-31.

Conditions:
Developmental and epileptic encephalopathy, 1 (DEE1). Also called: INFANTILE SPASM SYNDROME, X-LINKED 1; Tonic spasms with clustering, arrest of psychomotor development and hypsarrhythmia on EEG; X-Linked Infantile Spasm Syndrome; X-linked infantile spasms; West's syndrome; OHTAHARA SYNDROME, X-LINKED. Identifiers: MedGen C3463992, MONDO:0010632, OMIM 308350. Disease mechanism: loss of function.
Intellectual disability, X-linked, with or without seizures, ARX-related. Also called: MENTAL RETARDATION, X-LINKED 29; MENTAL RETARDATION, X-LINKED 32; MENTAL RETARDATION, X-LINKED 33; MENTAL RETARDATION, X-LINKED 38; MENTAL RETARDATION, X-LINKED 43; MENTAL RETARDATION, X-LINKED 76. Identifiers: Orphanet 777, MedGen C0796244, MONDO:0010317, OMIM 300419.

Allele frequency attached by ClinVar (database versions not stated): TOPMed 0.00001.
gnomAD v4.1: 2 of 1,168,999 alleles (0.00017%); highest among the groups gnomAD compares: East Asian, 0.0032%; no homozygotes.

Submissions (2):

Labcorp Genetics (formerly Invitae), Labcorp
Classification: Likely benign for Developmental and epileptic encephalopathy, 1; Intellectual disability, X-linked, with or without seizures, ARX-related. Last evaluated: 2024-01-31. Review status: criteria provided, single submitter. Criteria: Invitae Variant Classification Sherloc (09022015). Collection method: clinical testing. Allele origin: germline.

GeneDx
Classification: Likely benign. Last evaluated: 2016-08-19. Review status: criteria provided, single submitter. Criteria: GeneDx Variant Classification (06012015). Collection method: clinical testing. Allele origin: germline. Affected: yes.
Comment: This variant is considered likely benign or benign based on one or more of the following criteria: it is a conservative change, it occurs at a poorly conserved position in the protein, it is predicted to be benign by multiple in silico algorithms, and/or has population frequency not consistent with disease.

NM_139058.3(ARX):c.1599C>A (p.Ala533=)

Gene: ARX (aristaless related homeobox; minus strand). Cytogenetic location: Xp21.3.
Variant type: single nucleotide variant.
Coding change: c.1599C>A on transcript NM_139058.3 (MANE Select); coding-DNA position 1599, C replaced by A.
Protein change: p.Ala533=; no amino-acid change (alanine 533 retained).
Molecular consequence: synonymous variant.
Genome position (GRCh38, 1-based): chrX:25,004,760, G>T on the plus strand (C>A on the coding strand, the complement: ARX is on the minus strand). VCF-style: chrX-25004760-G-T. GRCh37 (hg19) VCF-style: chrX-25022877-G-T.
Identifiers: ClinVar variation 388677 (VCV000388677.4), dbSNP rs1057523196, ClinGen allele CA16608403.